The following is an entry in ClinVar:

NM_032119.4(ADGRV1):c.15059C>A (p.Thr5020Lys)

Gene: ADGRV1 (adhesion G protein-coupled receptor V1; plus strand). Cytogenetic location: 5q14.3.
Variant type: single nucleotide variant.
Coding change: c.15059C>A on transcript NM_032119.4 (MANE Select); coding-DNA position 15059, C replaced by A.
Protein change: p.Thr5020Lys; replaces threonine 5020 with lysine.
Molecular consequence: missense variant. On other transcripts: non-coding transcript variant (1).
Genome position (GRCh38, 1-based): chr5:90,810,319, C>A. VCF-style: chr5-90810319-C-A. GRCh37 (hg19) VCF-style: chr5-90106136-C-A.
Other names: c.15059C>A (NM_032119.3); short protein forms T5020K.
Identifiers: ClinVar variation 284062 (VCV000284062.12), dbSNP rs753667658, ClinGen allele CA3341865.

ClinVar aggregate classification (germline): Conflicting classifications of pathogenicity. Review status: criteria provided, conflicting classifications (1 of 4 stars). 4 submissions from 4 submitters: Uncertain significance (3); Likely benign (1). Last evaluated 2026-02-09.

Allele frequency attached by ClinVar (database versions not stated): gnomAD exomes 0.00002 and 0.00006; gnomAD 0.00003; ExAC 0.00004; TOPMed 0.00008.

Submissions (4):

GeneDx
Classification: Uncertain significance. Last evaluated: 2026-02-09. Review status: criteria provided, single submitter. Criteria: GeneDx Variant Classification Process June 2021. Collection method: clinical testing. Allele origin: germline.
Comment: In silico analysis suggests that this missense variant does not alter protein structure/function; Has not been previously published as pathogenic or benign to our knowledge

Labcorp Genetics (formerly Invitae), Labcorp
Classification: Likely benign. Last evaluated: 2026-01-17. Review status: criteria provided, single submitter. Criteria: Invitae Variant Classification Sherloc (09022015). Collection method: clinical testing. Allele origin: germline.

Blueprint Genetics
Classification: Uncertain significance. Last evaluated: 2019-11-08. Review status: criteria provided, single submitter. Criteria: ACMG Guidelines, 2015. Collection method: clinical testing. Allele origin: germline.

Eurofins Ntd Llc (ga)
Classification: Uncertain significance. Last evaluated: 2015-11-13. Review status: criteria provided, single submitter. Criteria: EGL Classification Definitions 2015. Collection method: clinical testing. Allele origin: germline. Observed: 1 variant allele, 1 heterozygote.